The following is an entry in ClinVar:

NC_000017.11:g.(?_10529152)_(10530084_?)dup

Gene: MYH2 (myosin heavy chain 2; minus strand). Cytogenetic location: 17p13.1.
Variant type: Duplication.
Identifiers: ClinVar variation 833492 (VCV000833492.2).

ClinVar aggregate classification (germline): Uncertain significance (1 of 4 stars; one submission).

Conditions:
Myopathy, proximal, and ophthalmoplegia (CMYO6). Also called: MYOPATHY WITH CONGENITAL JOINT CONTRACTURES, OPHTHALMOPLEGIA, AND RIMMED VACUOLES; INCLUSION BODY MYOPATHY 3, AUTOSOMAL DOMINANT; CONGENITAL MYOPATHY 6 WITH OPHTHALMOPLEGIA. Identifiers: Orphanet 363677, Orphanet 79091, MedGen C1854106, MONDO:0011577, OMIM 605637.

Submission:

Labcorp Genetics (formerly Invitae), Labcorp
Classification: Uncertain significance for Inclusion body myopathy 3. Last evaluated: 2019-09-17. Review status: criteria provided, single submitter. Criteria: Invitae Variant Classification Sherloc (09022015). Collection method: clinical testing. Allele origin: germline.
Comment: This variant results in a copy number gain of the genomic region encompassing exons 23-26 of the MYH2 gene. While the exact position of this variant cannot be determined from this data, sub-genic copy number gains are generally in tandem (PMID: 25640679). This variant would be expected to be in-frame, preserving the integrity of the reading frame. A similar copy number gain has not been reported in the literature in individuals with MYH2-related conditions. In summary, the available evidence is currently insufficient to determine the role of this variant in disease. Therefore, it has been classified as a Variant of Uncertain Significance.